The following is an entry in ClinVar:

NM_001318789.2(TLR2):c.1350T>C (p.Ser450=)

Gene: TLR2 (toll like receptor 2; plus strand). Cytogenetic location: 4q31.3.
Variant type: single nucleotide variant.
Coding change: c.1350T>C on transcript NM_001318789.2 (MANE Select); coding-DNA position 1350, T replaced by C.
Protein change: p.Ser450=; no amino-acid change (serine 450 retained).
Molecular consequence: synonymous variant.
Genome position (GRCh38, 1-based): chr4:153,704,257, T>C. VCF-style: chr4-153704257-T-C. GRCh37 (hg19) VCF-style: chr4-154625409-T-C.
Other names: c.1350T>C, p.Ser450= (NM_001318787.2, NM_001318790.2, NM_001318791.2 and 4 more transcripts).
Identifiers: ClinVar variation 3058962 (VCV003058962.4), dbSNP rs3804100, ClinGen allele CA3110879.

ClinVar aggregate classification (germline): Conflicting classifications of pathogenicity. Review status: no assertion criteria provided (0 of 4 stars). 2 submissions from 2 submitters: Uncertain significance (1); Benign (1). Last evaluated 2024-01-01.

Conditions:
COVID-19–associated multisystem inflammatory syndrome in adults. Identifiers: MedGen CN305503, MONDO:0100319.
TLR2-related disorder. Also called: TLR2-related condition.

Allele frequency attached by ClinVar (database versions not stated): ESP Exome Variant Server 0.06382; gnomAD 0.07123; TOPMed 0.07293; ExAC 0.09141; 1000 Genomes Project 30x 0.10572; 1000 Genomes Project 0.10843; gnomAD exomes 0.08147.
gnomAD v4.1: 130,194 of 1,614,088 alleles (8.1%); highest among the groups gnomAD compares: East Asian, 28%; 6,660 homozygotes.

Submissions (2):

Pneumogenomics Laboratory, Instituto Nacional de Enfermedades Respiratorias Ismael Cosio Villegas
Classification: Uncertain significance for COVID-19–associated multisystem inflammatory syndrome in adults. Last evaluated: 2024-01-01. Review status: no assertion criteria provided. Collection method: research. Allele origin: germline.

PreventionGenetics, part of Exact Sciences
Classification: Benign for TLR2-related condition. Last evaluated: 2019-12-09. Review status: no assertion criteria provided. Collection method: clinical testing. Allele origin: germline.
Comment: This variant is classified as benign based on ACMG/AMP sequence variant interpretation guidelines (Richards et al. 2015 PMID: 25741868, with internal and published modifications).